The following is an entry in ClinVar:

NM_001378457.1(DMXL2):c.4739T>A (p.Leu1580Ter)

Gene: DMXL2 (Dmx like 2; minus strand). Cytogenetic location: 15q21.2.
Variant type: single nucleotide variant.
Coding change: c.4739T>A on transcript NM_001378457.1 (MANE Select); coding-DNA position 4739, T replaced by A.
Protein change: p.Leu1580Ter; replaces leucine 1580 with a stop codon.
Molecular consequence: nonsense. On other transcripts: non-coding transcript variant (2), intron variant (1).
Genome position (GRCh38, 1-based): chr15:51,495,068, A>T on the plus strand (T>A on the coding strand, the complement: DMXL2 is on the minus strand). VCF-style: chr15-51495068-A-T. GRCh37 (hg19) VCF-style: chr15-51787265-A-T.
Other names: c.4739T>A, p.Leu1580Ter (NM_001174116.3, NM_001378458.1, NM_001378459.1 and 4 more transcripts); c.2831T>A, p.Leu944Ter (NM_001174117.3); c.4499T>A, p.Leu1500Ter (NM_001378464.1); c.2765-3321T>A (NM_001378460.1); short protein forms L1500*, L1580*, L944*.
Identifiers: ClinVar variation 2013536 (VCV002013536.4), dbSNP rs2548494696, ClinGen allele CA392430026.

ClinVar aggregate classification (germline): Pathogenic (1 of 4 stars; one submission).

Submission:

Labcorp Genetics (formerly Invitae), Labcorp
Classification: Pathogenic. Last evaluated: 2022-09-23. Review status: criteria provided, single submitter. Criteria: Invitae Variant Classification Sherloc (09022015). Collection method: clinical testing. Allele origin: germline.
Comment: This sequence change creates a premature translational stop signal (p.Leu1580*) in the DMXL2 gene. It is expected to result in an absent or disrupted protein product. Loss-of-function variants in DMXL2 are known to be pathogenic (PMID: 30237576, 31688942). This variant is not present in population databases (gnomAD no frequency). This variant has not been reported in the literature in individuals affected with DMXL2-related conditions. For these reasons, this variant has been classified as Pathogenic.

Literature cited by the submitters: PubMed 30237576; PubMed 31688942.